The following is an entry in ClinVar:

ClinVar aggregate classification (germline): Benign. Review status: criteria provided, multiple submitters, no conflicts (2 of 4 stars). 3 submissions from 3 submitters: Benign (3). Last evaluated 2021-11-07.

Conditions:
Progressive external ophthalmoplegia with mitochondrial DNA deletions, autosomal recessive 2 (PEOB2). Also called: PROGRESSIVE EXTERNAL OPHTHALMOPLEGIA, AUTOSOMAL RECESSIVE 2. Identifiers: Orphanet 329336, MedGen C4225312, MONDO:0014656, OMIM 616479.

Allele frequency attached by ClinVar (database versions not stated): ExAC 0.61310; 1000 Genomes Project 0.63259; 1000 Genomes Project 30x 0.64007; gnomAD 0.67957 and 0.69067; TOPMed 0.68677; ESP Exome Variant Server 0.71452.
gnomAD v4.1: 995,565 of 1,567,794 alleles (64%); highest among the groups gnomAD compares: African/African-American, 87%; 320,790 homozygotes.

Submissions (3):

Genome-Nilou Lab
Classification: Benign for Progressive external ophthalmoplegia with mitochondrial DNA deletions, autosomal recessive 2. Last evaluated: 2021-11-07. Review status: criteria provided, single submitter. Criteria: ACMG Guidelines, 2015. Collection method: clinical testing. Allele origin: germline. Affected: no.

GeneDx
Classification: Benign. Last evaluated: 2018-06-14. Review status: criteria provided, single submitter. Criteria: GeneDx Variant Classification (06012015). Collection method: clinical testing. Allele origin: germline. Affected: yes.
Comment: This variant is considered likely benign or benign based on one or more of the following criteria: it is a conservative change, it occurs at a poorly conserved position in the protein, it is predicted to be benign by multiple in silico algorithms, and/or has population frequency not consistent with disease.

Breakthrough Genomics
Classification: Benign. Review status: criteria provided, single submitter. Criteria: ACMG Guidelines, 2015. Collection method: not provided. Allele origin: germline. Inheritance: Autosomal recessive inheritance. Affected: yes.

NM_002936.6(RNASEH1):c.409+34C>A

Gene: RNASEH1 (ribonuclease H1; minus strand). Cytogenetic location: 2p25.3.
Variant type: single nucleotide variant.
Coding change: c.409+34C>A on transcript NM_002936.6 (MANE Select); 34 bases into the intron after coding-DNA position 409, C replaced by A.
Molecular consequence: intron variant.
Genome position (GRCh38, 1-based): chr2:3,552,110, G>T on the plus strand (C>A on the coding strand, the complement: RNASEH1 is on the minus strand). VCF-style: chr2-3552110-G-T. GRCh37 (hg19) VCF-style: chr2-3599700-G-T.
Other names: c.409+34C>A (NM_001378272.1, NM_001378273.1, NM_001378271.1); c.331+34C>A (NM_001286834.3); c.58+34C>A (NM_001286837.3).
Identifiers: ClinVar variation 683672 (VCV000683672.4), dbSNP rs7563960, ClinGen allele CA1516284.